The following is an entry in ClinVar:

ClinVar aggregate classification (germline): Uncertain significance (1 of 4 stars; one submission).

Conditions:
Hereditary cancer-predisposing syndrome. Also called: Neoplastic Syndromes, Hereditary; Hereditary Cancer Syndrome; Hereditary neoplastic syndrome; Tumor predisposition. Identifiers: Orphanet 140162, MedGen C0027672, MeSH D009386, MONDO:0015356.

Submission:

Ambry Genetics
Classification: Uncertain significance for Hereditary cancer-predisposing syndrome. Last evaluated: 2023-06-09. Review status: criteria provided, single submitter. Criteria: Ambry Variant Classification Scheme 2023. Collection method: clinical testing. Allele origin: germline.
Comment: The p.L645M variant (also known as c.1933C>A), located in coding exon 11 of the ALK gene, results from a C to A substitution at nucleotide position 1933. The leucine at codon 645 is replaced by methionine, an amino acid with highly similar properties. This amino acid position is conserved. In addition, this alteration is predicted to be tolerated by in silico analysis. Since supporting evidence is limited at this time, the clinical significance of this alteration remains unclear.

NM_004304.5(ALK):c.1933C>A (p.Leu645Met)

Gene: ALK (ALK receptor tyrosine kinase; minus strand). Cytogenetic location: 2p23.2.
Variant type: single nucleotide variant.
Coding change: c.1933C>A on transcript NM_004304.5 (MANE Select); coding-DNA position 1933, C replaced by A.
Protein change: p.Leu645Met; replaces leucine 645 with methionine.
Molecular consequence: missense variant.
Genome position (GRCh38, 1-based): chr2:29,275,207, G>T on the plus strand (C>A on the coding strand, the complement: ALK is on the minus strand). VCF-style: chr2-29275207-G-T. GRCh37 (hg19) VCF-style: chr2-29498073-G-T.
Other names: short protein forms L645M.
Identifiers: ClinVar variation 2562262 (VCV002562262.2), dbSNP rs770797778, ClinGen allele CA346479790.